The following is an entry in ClinVar:

NM_133497.4(KCNV2):c.564G>C (p.Trp188Cys)

Gene: KCNV2 (potassium voltage-gated channel modifier subfamily V member 2; plus strand). Cytogenetic location: 9p24.2.
Variant type: single nucleotide variant.
Coding change: c.564G>C on transcript NM_133497.4 (MANE Select); coding-DNA position 564, G replaced by C.
Protein change: p.Trp188Cys; replaces tryptophan 188 with cysteine.
Molecular consequence: missense variant.
Genome position (GRCh38, 1-based): chr9:2,718,303, G>C. VCF-style: chr9-2718303-G-C. GRCh37 (hg19) VCF-style: chr9-2718303-G-C.
Other names: short protein forms W188C.
Identifiers: ClinVar variation 1468960 (VCV001468960.6), dbSNP rs772921412, ClinGen allele CA4965504.
Genomic context (GRCh38, chr9:2,718,303, plus strand): 5'-GGTGCTGCTGGTGCTCGACGGGCTGTGTCCGCGCCGCTTCCTGGAGGAGCTGGGCTACTG[G>C]GGCGTGCGGCTCAAGTACACGCCACGCTGCTGCCGCATCTGCTTCGAGGAGCGGCGCGAC-3'
Protein context (NP_598004.1, residues 178-198): PRRFLEELGY[Trp188Cys]GVRLKYTPRC

ClinVar aggregate classification (germline): Pathogenic (1 of 4 stars; one submission).

Allele frequency attached by ClinVar (database versions not stated): gnomAD 0.00001; TOPMed 0.00001.
gnomAD v4.1: 3 of 1,609,356 alleles (0.00019%); highest among the groups gnomAD compares: South Asian, 0.0011%; no homozygotes.

Submission:

Labcorp Genetics (formerly Invitae), Labcorp
Classification: Pathogenic. Last evaluated: 2023-05-19. Review status: criteria provided, single submitter. Criteria: Invitae Variant Classification Sherloc (09022015). Collection method: clinical testing. Allele origin: germline.
Comment: This sequence change replaces tryptophan, which is neutral and slightly polar, with cysteine, which is neutral and slightly polar, at codon 188 of the KCNV2 protein (p.Trp188Cys). ClinVar contains an entry for this variant (Variation ID: 1468960). This missense change has been observed in individual(s) with KCNV2-related conditions (PMID: 16909397; Invitae). In at least one individual the data is consistent with being in trans (on the opposite chromosome) from a pathogenic variant. This variant is present in population databases (rs772921412, gnomAD 0.002%). Advanced modeling of protein sequence and biophysical properties (such as structural, functional, and spatial information, amino acid conservation, physicochemical variation, residue mobility, and thermodynamic stability) performed at Invitae indicates that this missense variant is expected to disrupt KCNV2 protein function. Experimental studies have shown that this missense change affects KCNV2 function (PMID: 23115240). This variant disrupts the p.Trp188 amino acid residue in KCNV2. Other variant(s) that disrupt this residue have been determined to be pathogenic (PMID: 28041643, 28341476, 32154435). This suggests that this residue is clinically significant, and that variants that disrupt this residue are likely to be disease-causing. For these reasons, this variant has been classified as Pathogenic.

Literature cited by the submitters: PubMed 16909397; PubMed 23115240; PubMed 28041643; PubMed 28341476; PubMed 32154435.